The following is an entry in ClinVar:

NM_001008723.2(CFAP58):c.461T>C (p.Phe154Ser)

Gene: CFAP58 (cilia and flagella associated protein 58; plus strand). Cytogenetic location: 10q25.1.
Variant type: single nucleotide variant.
Coding change: c.461T>C on transcript NM_001008723.2 (MANE Select); coding-DNA position 461, T replaced by C.
Protein change: p.Phe154Ser; replaces phenylalanine 154 with serine.
Molecular consequence: missense variant.
Genome position (GRCh38, 1-based): chr10:104,364,753, T>C. VCF-style: chr10-104364753-T-C. GRCh37 (hg19) VCF-style: chr10-106124511-T-C.
Other names: c.407T>C, p.Phe136Ser (NM_001400226.1, NM_001400227.1); short protein forms F136S, F154S.
Identifiers: ClinVar variation 3387901 (VCV003387901.14).

ClinVar aggregate classification (germline): Benign (1 of 4 stars; one submission).

gnomAD v4.1: 16,140 of 1,610,878 alleles (1%); highest among the groups gnomAD compares: Non-Finnish European, 1.2%; 107 homozygotes.

Submission:

CeGaT Center for Human Genetics Tuebingen
Classification: Benign. Last evaluated: 2026-09-01. Review status: criteria provided, single submitter. Criteria: CeGaT Center For Human Genetics Tuebingen Variant Classification Criteria Version 2. Collection method: clinical testing. Allele origin: germline. Affected: yes. Observed: 2 variant alleles.
Comment: CFAP58: BS1, BS2